The following is an entry in ClinVar:

NM_152594.3(SPRED1):c.424-18G>A

Gene: SPRED1 (sprouty related EVH1 domain containing 1; plus strand). Cytogenetic location: 15q14.
Variant type: single nucleotide variant.
Coding change: c.424-18G>A on transcript NM_152594.3 (MANE Select); 18 bases into the intron before coding-DNA position 424, G replaced by A.
Molecular consequence: intron variant.
Genome position (GRCh38, 1-based): chr15:38,339,719, G>A. VCF-style: chr15-38339719-G-A. GRCh37 (hg19) VCF-style: chr15-38631920-G-A.
Identifiers: ClinVar variation 41452 (VCV000041452.38), dbSNP rs7179118, ClinGen allele CA130845.

ClinVar aggregate classification (germline): Benign. Review status: criteria provided, multiple submitters, no conflicts (2 of 4 stars). 13 submissions from 13 submitters: Benign (10). 3 of the submissions do not count toward it. Last evaluated 2026-02-04.

Conditions:
Legius syndrome. Identifiers: Orphanet 137605, MedGen C1969623, MONDO:0012669, OMIM 611431. Disease mechanism: loss of function.

Allele frequency attached by ClinVar (database versions not stated): 1000 Genomes Project 0.17792; 1000 Genomes Project 30x 0.18036; gnomAD exomes 0.22322; ExAC 0.22654; TOPMed 0.22884; gnomAD 0.23524 and 0.23890; ESP Exome Variant Server 0.25027.
gnomAD v4.1: 391,786 of 1,610,272 alleles (24%); highest among the groups gnomAD compares: Middle Eastern, 30%; 49,718 homozygotes.

Submissions (13):

Labcorp Genetics (formerly Invitae), Labcorp
Classification: Benign for Legius syndrome. Last evaluated: 2026-02-04. Review status: criteria provided, single submitter. Criteria: Invitae Variant Classification Sherloc (09022015). Collection method: clinical testing. Allele origin: germline.

ARUP Laboratories, Molecular Genetics and Genomics, ARUP Laboratories
Classification: Benign for Legius syndrome. Last evaluated: 2025-07-31. Review status: criteria provided, single submitter. Criteria: ARUP Molecular Germline Variant Investigation Process 2024. Collection method: clinical testing. Allele origin: germline.

Blueprint Genetics
Classification: Benign. Last evaluated: 2024-11-27. Review status: criteria provided, single submitter. Criteria: ACMG Guidelines, 2015. Collection method: clinical testing. Allele origin: germline.

KCCC/NGS Laboratory, Kuwait Cancer Control Center
Classification: Benign for Legius syndrome. Last evaluated: 2023-07-07. Review status: criteria provided, single submitter. Criteria: ACMG Guidelines, 2015. Collection method: clinical testing. Allele origin: germline. Affected: yes.

Women's Health and Genetics/Laboratory Corporation of America, LabCorp
Classification: Benign. Last evaluated: 2017-04-17. Review status: criteria provided, single submitter. Criteria: LabCorp Variant Classification Summary - May 2015. Collection method: clinical testing. Allele origin: germline.
Comment: Variant summary: The SPRED1 c.424-18G>A variant involves the alteration of a non-conserved intronic nucleotide. One in silico tool predicts a benign outcome for this variant. 5/5 splice prediction tools predict no significant impact on normal splicing and ESE finder predicts no impact on ESE sites at the locus. However, these predictions have yet to be confirmed by functional studies. This variant was found in the large control database ExAC at a frequency of 0.2265353 (27452/121182 control chromosomes [3368 homozygotes]), which is approximately 90614 times the estimated maximal expected allele frequency of a pathogenic SPRED1 variant (0.0000025), providing very strong evidence that this variant is likely a benign polymorphism. In addition, multiple clinical diagnostic laboratories/reputable databases classified this variant as benign. To our knowledge, the variant of interest has not been reported in affected individuals via publications, nor has it been evaluated for functional impact by in vivo/vitro studies. Taken together, this variant is classified as benign.

GeneDx
Classification: Benign. Last evaluated: 2015-10-15. Review status: criteria provided, single submitter. Criteria: GeneDx Variant Classification (06012015). Collection method: clinical testing. Allele origin: germline. Affected: yes.
Comment: This variant is considered likely benign or benign based on one or more of the following criteria: it is a conservative change, it occurs at a poorly conserved position in the protein, it is predicted to be benign by multiple in silico algorithms, and/or has population frequency not consistent with disease.

Clinical Genetics DNA and cytogenetics Diagnostics Lab, Erasmus MC, Erasmus Medical Center
Classification: Benign for Legius syndrome. Last evaluated: 2015-09-21. Review status: criteria provided, single submitter. Criteria: ACGS Guidelines, 2013. Collection method: clinical testing. Allele origin: germline. Affected: yes. Study: VKGL Data-share Consensus.

Eurofins Ntd Llc (ga)
Classification: Benign. Last evaluated: 2015-09-10. Review status: criteria provided, single submitter. Criteria: EGL Classification Definitions 2015. Collection method: clinical testing. Allele origin: germline. Observed: 8 variant alleles, 6 heterozygotes, 2 homozygotes.

Breakthrough Genomics
Classification: Benign. Review status: criteria provided, single submitter. Criteria: ACMG Guidelines, 2015. Collection method: not provided. Allele origin: germline. Inheritance: Autosomal dominant inheritance. Affected: yes.

PreventionGenetics, part of Exact Sciences
Classification: Benign. Review status: criteria provided, single submitter. Criteria: ACMG Guidelines, 2015. Collection method: clinical testing. Allele origin: germline.

Clinical Genetics, Academic Medical Center
Classification: Benign. Review status: no assertion criteria provided. Collection method: clinical testing. Allele origin: germline. Affected: yes. Study: VKGL Data-share Consensus. Not counted in ClinVar's aggregate classification.

Diagnostic Laboratory, Department of Genetics, University Medical Center Groningen
Classification: Benign for Legius syndrome. Review status: no assertion criteria provided. Collection method: clinical testing. Allele origin: germline. Affected: yes. Study: VKGL Data-share Consensus. Not counted in ClinVar's aggregate classification.

Joint Genome Diagnostic Labs from Nijmegen and Maastricht, Radboudumc and MUMC+
Classification: Benign. Review status: no assertion criteria provided. Collection method: clinical testing. Allele origin: germline. Affected: yes. Study: VKGL Data-share Consensus. Not counted in ClinVar's aggregate classification.